The following is an entry in ClinVar:

ClinVar aggregate classification (germline): Uncertain significance (1 of 4 stars; one submission).

Allele frequency attached by ClinVar (database versions not stated): gnomAD exomes 0.00001.
gnomAD v4.1: 3 of 1,613,928 alleles (0.00019%); highest among the groups gnomAD compares: Non-Finnish European, 0.00025%; no homozygotes.

Submission:

CeGaT Center for Human Genetics Tuebingen
Classification: Uncertain significance. Last evaluated: 2023-09-01. Review status: criteria provided, single submitter. Criteria: CeGaT Center For Human Genetics Tuebingen Variant Classification Criteria Version 2. Collection method: clinical testing. Allele origin: germline. Affected: yes. Observed: 2 variant alleles.
Comment: ASXL2: PM2:Supporting, BP4

NM_018263.6(ASXL2):c.1595G>A (p.Gly532Glu)

Gene: ASXL2 (ASXL transcriptional regulator 2; minus strand). Cytogenetic location: 2p23.3.
Variant type: single nucleotide variant.
Coding change: c.1595G>A on transcript NM_018263.6 (MANE Select); coding-DNA position 1595, G replaced by A.
Protein change: p.Gly532Glu; replaces glycine 532 with glutamic acid.
Molecular consequence: missense variant.
Genome position (GRCh38, 1-based): chr2:25,749,961, C>T on the plus strand (G>A on the coding strand, the complement: ASXL2 is on the minus strand). VCF-style: chr2-25749961-C-T. GRCh37 (hg19) VCF-style: chr2-25972830-C-T.
Other names: c.1421G>A, p.Gly474Glu (NM_001369346.1); c.815G>A, p.Gly272Glu (NM_001369347.1); short protein forms G272E, G474E, G532E.
Identifiers: ClinVar variation 2650735 (VCV002650735.24), dbSNP rs2465314435, ClinGen allele CA346075200.